The following is an entry in ClinVar:

ClinVar aggregate classification (germline): Uncertain significance (1 of 4 stars; one submission).

Conditions:
Autosomal recessive severe congenital neutropenia due to JAGN1 deficiency. Also called: Severe congenital neutropenia 6, autosomal recessive. Identifiers: Orphanet 423384, MedGen C4014954, MONDO:0014456, OMIM 616022.

Allele frequency attached by ClinVar (database versions not stated): gnomAD exomes below 0.00001.
gnomAD v4.1: 3 of 1,614,200 alleles (0.00019%); highest among the groups gnomAD compares: Non-Finnish European, 0.00025%; no homozygotes.

Submission:

Labcorp Genetics (formerly Invitae), Labcorp
Classification: Uncertain significance for Autosomal recessive severe congenital neutropenia due to JAGN1 deficiency. Last evaluated: 2021-06-18. Review status: criteria provided, single submitter. Criteria: Invitae Variant Classification Sherloc (09022015). Collection method: clinical testing. Allele origin: germline.
Comment: This sequence change replaces leucine with serine at codon 87 of the JAGN1 protein (p.Leu87Ser). The leucine residue is moderately conserved and there is a large physicochemical difference between leucine and serine. This variant is not present in population databases (ExAC no frequency). This variant has not been reported in the literature in individuals with JAGN1-related conditions. Algorithms developed to predict the effect of missense changes on protein structure and function are either unavailable or do not agree on the potential impact of this missense change (SIFT: "Deleterious"; PolyPhen-2: "Benign"; Align-GVGD: "Class C0"). In summary, the available evidence is currently insufficient to determine the role of this variant in disease. Therefore, it has been classified as a Variant of Uncertain Significance.

NM_032492.4(JAGN1):c.260T>C (p.Leu87Ser)

Gene: JAGN1 (jagunal vesicle mediated transporter 1; plus strand). Cytogenetic location: 3p25.3.
Variant type: single nucleotide variant.
Coding change: c.260T>C on transcript NM_032492.4 (MANE Select); coding-DNA position 260, T replaced by C.
Protein change: p.Leu87Ser; replaces leucine 87 with serine.
Molecular consequence: missense variant.
Genome position (GRCh38, 1-based): chr3:9,893,085, T>C. VCF-style: chr3-9893085-T-C. GRCh37 (hg19) VCF-style: chr3-9934769-T-C.
Other names: c.98T>C, p.Leu33Ser (NM_001363890.1); short protein forms L33S, L87S.
Identifiers: ClinVar variation 1499691 (VCV001499691.8), dbSNP rs1433604133, ClinGen allele CA351715178.